The following is an entry in ClinVar:

ClinVar aggregate classification (germline): Likely benign (1 of 4 stars; one submission).

Allele frequency attached by ClinVar (database versions not stated): gnomAD exomes 0.00007 and 0.00012; TOPMed 0.00008; ExAC 0.00016; 1000 Genomes Project 30x 0.00031; gnomAD 0.00007 and 0.00006; 1000 Genomes Project 0.00040.
gnomAD v4.1: 180 of 1,523,698 alleles (0.012%); highest among the groups gnomAD compares: Non-Finnish European, 0.015%; 1 homozygote.

Submission:

GeneDx
Classification: Likely benign. Last evaluated: 2013-01-10. Review status: criteria provided, single submitter. Criteria: GeneDx Variant Classification (06012015). Collection method: clinical testing. Allele origin: germline. Affected: yes.
Comment: The variant is found in MITONUC-MITOP panel(s).

NM_001193375.3(NDUFA11):c.614C>G (p.Ala205Gly)

Gene: NDUFA11 (NADH:ubiquinone oxidoreductase subunit A11; minus strand). Cytogenetic location: 19p13.3.
Variant type: single nucleotide variant.
Coding change: c.614C>G on transcript NM_001193375.3; coding-DNA position 614, C replaced by G.
Protein change: p.Ala205Gly; replaces alanine 205 with glycine.
Molecular consequence: missense variant.
Genome position (GRCh38, 1-based): chr19:5,892,990, G>C on the plus strand (C>G on the coding strand, the complement: NDUFA11 is on the minus strand). VCF-style: chr19-5892990-G-C. GRCh37 (hg19) VCF-style: chr19-5893001-G-C.
Other names: p.A205G:GCA>GGA; short protein forms A205G.
Identifiers: ClinVar variation 214689 (VCV000214689.3), dbSNP rs575960075, ClinGen allele CA321692.
Genomic context (GRCh38, chr19:5,892,990, plus strand): 5'-TTCGAACCCAGAGTGTTTAACAATGACTCTATTAGGGCTTGGACAGGTGTCAGGGCCCCT[G>C]CCCCTCTGGGTGCGGGGTGGGTGTGTCCGCCCTTTCTCAGGGAGCCCGAGGCCCGGGCAC-3'